The following is an entry in ClinVar:

NM_001177693.2(ARHGEF28):c.36G>A (p.Gly12=)

Gene: ARHGEF28 (Rho guanine nucleotide exchange factor 28; plus strand). Cytogenetic location: 5q13.2.
Variant type: single nucleotide variant.
Coding change: c.36G>A on transcript NM_001177693.2 (MANE Select); coding-DNA position 36, G replaced by A.
Protein change: p.Gly12=; no amino-acid change (glycine 12 retained).
Molecular consequence: synonymous variant.
Genome position (GRCh38, 1-based): chr5:73,749,839, G>A. VCF-style: chr5-73749839-G-A. GRCh37 (hg19) VCF-style: chr5-73045664-G-A.
Other names: c.36G>A, p.Gly12= (NM_001080479.3, NM_001388076.1, NM_001388078.1).
Identifiers: ClinVar variation 3044409 (VCV003044409.2), dbSNP rs757452890, ClinGen allele CA3304075.
Genomic context (GRCh38, chr5:73,749,839, plus strand): 5'-GCTTTCTTAGAGCCAGGACAAGGAAGTCTGACAATGCCCCGACTTATTCCTTTTTCAGGG[G>A]CAGATGATGATCTATGCGAAGTTTGACAAAAATGTGTATCTTCCTGAAGATGCTGAGTTT-3'
Protein context (NP_001171164.1, residues 2-22): ELSCSEAPLY[Gly12=]QMMIYAKFDK

ClinVar aggregate classification (germline): Likely benign (0 of 4 stars; one submission).

Conditions:
ARHGEF28-related disorder. Also called: ARHGEF28-related condition.

Allele frequency attached by ClinVar (database versions not stated): gnomAD 0.00005.
gnomAD v4.1: 17 of 1,613,584 alleles (0.0011%); highest among the groups gnomAD compares: African/African-American, 0.016%; no homozygotes.

Submission:

PreventionGenetics, part of Exact Sciences
Classification: Likely benign for ARHGEF28-related condition. Last evaluated: 2019-06-06. Review status: no assertion criteria provided. Collection method: clinical testing. Allele origin: germline.
Comment: This variant is classified as likely benign based on ACMG/AMP sequence variant interpretation guidelines (Richards et al. 2015 PMID: 25741868, with internal and published modifications).